The following is an entry in ClinVar:

NM_000094.4(COL7A1):c.2510G>A (p.Gly837Glu)

Gene: COL7A1 (collagen type VII alpha 1 chain; minus strand). Cytogenetic location: 3p21.31.
Variant type: single nucleotide variant.
Coding change: c.2510G>A on transcript NM_000094.4 (MANE Select); coding-DNA position 2510, G replaced by A.
Protein change: p.Gly837Glu; replaces glycine 837 with glutamic acid.
Molecular consequence: missense variant.
Genome position (GRCh38, 1-based): chr3:48,588,719, C>T on the plus strand (G>A on the coding strand, the complement: COL7A1 is on the minus strand). VCF-style: chr3-48588719-C-T. GRCh37 (hg19) VCF-style: chr3-48626152-C-T.
Other names: short protein forms G837E.
Identifiers: ClinVar variation 1719597 (VCV001719597.6), dbSNP rs2531259383, ClinGen allele CA352719220.

ClinVar aggregate classification (germline): Uncertain significance. Review status: criteria provided, multiple submitters, no conflicts (2 of 4 stars). 2 submissions from 2 submitters: Uncertain significance (2). Last evaluated 2026-03-27.

Conditions:
COL7A1-related disorder. Also called: COL7A1-related condition; COL7A1- related disorders.

Submissions (2):

PreventionGenetics, part of Exact Sciences
Classification: Uncertain significance for COL7A1-related condition. Last evaluated: 2026-03-27. Review status: criteria provided, single submitter. Criteria: ACMG Guidelines, 2015. Collection method: clinical testing. Allele origin: germline.
Comment: The COL7A1 c.2510G>A variant is predicted to result in the amino acid substitution p.Gly837Glu. To our knowledge, this variant has not been reported in the literature or in a large population database (gnomAD), indicating this variant is rare. At this time, the clinical significance of this variant is uncertain due to the absence of conclusive functional and genetic evidence.

Labcorp Genetics (formerly Invitae), Labcorp
Classification: Uncertain significance. Last evaluated: 2022-09-16. Review status: criteria provided, single submitter. Criteria: Invitae Variant Classification Sherloc (09022015). Collection method: clinical testing. Allele origin: germline.
Comment: This variant is not present in population databases (gnomAD no frequency). This sequence change replaces glycine, which is neutral and non-polar, with glutamic acid, which is acidic and polar, at codon 837 of the COL7A1 protein (p.Gly837Glu). This variant has not been reported in the literature in individuals affected with COL7A1-related conditions. Advanced modeling of protein sequence and biophysical properties (such as structural, functional, and spatial information, amino acid conservation, physicochemical variation, residue mobility, and thermodynamic stability) performed at Invitae indicates that this missense variant is not expected to disrupt COL7A1 protein function. Algorithms developed to predict the effect of sequence changes on RNA splicing suggest that this variant may create or strengthen a splice site. In summary, the available evidence is currently insufficient to determine the role of this variant in disease. Therefore, it has been classified as a Variant of Uncertain Significance.